The following is an entry in ClinVar:

NM_006231.4(POLE):c.1076T>C (p.Met359Thr)

Gene: POLE (DNA polymerase epsilon, catalytic subunit; minus strand). Cytogenetic location: 12q24.33.
Variant type: single nucleotide variant.
Coding change: c.1076T>C on transcript NM_006231.4 (MANE Select); coding-DNA position 1076, T replaced by C.
Protein change: p.Met359Thr; replaces methionine 359 with threonine.
Molecular consequence: missense variant.
Genome position (GRCh38, 1-based): chr12:132,675,765, A>G on the plus strand (T>C on the coding strand, the complement: POLE is on the minus strand). VCF-style: chr12-132675765-A-G. GRCh37 (hg19) VCF-style: chr12-133252351-A-G.
Other names: c.1076T>C (NM_006231.2); short protein forms M359T.
Identifiers: ClinVar variation 1058595 (VCV001058595.8), dbSNP rs2136011303, ClinGen allele CA387361470.

ClinVar aggregate classification (germline): Uncertain significance. Review status: criteria provided, multiple submitters, no conflicts (2 of 4 stars). 2 submissions from 2 submitters: Uncertain significance (2). Last evaluated 2025-03-12.

Conditions:
Hereditary cancer-predisposing syndrome. Also called: Neoplastic Syndromes, Hereditary; Hereditary Cancer Syndrome; Hereditary neoplastic syndrome; Tumor predisposition. Identifiers: Orphanet 140162, MedGen C0027672, MeSH D009386, MONDO:0015356.

Submissions (2):

Labcorp Genetics (formerly Invitae), Labcorp
Classification: Uncertain significance. Last evaluated: 2025-03-12. Review status: criteria provided, single submitter. Criteria: Invitae Variant Classification Sherloc (09022015). Collection method: clinical testing. Allele origin: germline.
Comment: This sequence change replaces methionine, which is neutral and non-polar, with threonine, which is neutral and polar, at codon 359 of the POLE protein (p.Met359Thr). This variant is not present in population databases (gnomAD no frequency). This variant has not been reported in the literature in individuals affected with POLE-related conditions. ClinVar contains an entry for this variant (Variation ID: 1058595). Invitae Evidence Modeling of protein sequence and biophysical properties (such as structural, functional, and spatial information, amino acid conservation, physicochemical variation, residue mobility, and thermodynamic stability) indicates that this missense variant is not expected to disrupt POLE protein function with a negative predictive value of 80%. In summary, the available evidence is currently insufficient to determine the role of this variant in disease. Therefore, it has been classified as a Variant of Uncertain Significance.

Ambry Genetics
Classification: Uncertain significance for Hereditary cancer-predisposing syndrome. Last evaluated: 2024-05-25. Review status: criteria provided, single submitter. Criteria: Ambry Variant Classification Scheme 2023. Collection method: clinical testing. Allele origin: germline.
Comment: The p.M359T variant (also known as c.1076T>C), located in coding exon 11 of the POLE gene, results from a T to C substitution at nucleotide position 1076. The methionine at codon 359 is replaced by threonine, an amino acid with similar properties. This amino acid position is conserved. In addition, this alteration is predicted to be tolerated by in silico analysis. Based on the available evidence, the clinical significance of this variant remains unclear.